The following is an entry in ClinVar:

NM_015253.2(WSCD1):c.558C>T (p.Ala186=)

Gene: WSCD1 (WSC domain sialate O sulfotransferase 1; plus strand). Cytogenetic location: 17p13.2.
Variant type: single nucleotide variant.
Coding change: c.558C>T on transcript NM_015253.2 (MANE Select); coding-DNA position 558, C replaced by T.
Protein change: p.Ala186=; no amino-acid change (alanine 186 retained).
Molecular consequence: synonymous variant.
Genome position (GRCh38, 1-based): chr17:6,090,336, C>T. VCF-style: chr17-6090336-C-T. GRCh37 (hg19) VCF-style: chr17-5993656-C-T.
Other names: c.558C>T, p.Ala186= (NM_001388405.1, NM_001388406.1, NM_001388407.1 and 2 more transcripts); c.54C>T, p.Ala18= (NM_001388408.1, NM_001388409.1).
Identifiers: ClinVar variation 2647307 (VCV002647307.24), dbSNP rs142468752, ClinGen allele CA8327864.

ClinVar aggregate classification (germline): Likely benign (1 of 4 stars; one submission).

Allele frequency attached by ClinVar (database versions not stated): 1000 Genomes Project 0.00040; 1000 Genomes Project 30x 0.00062; ExAC 0.00063; ESP Exome Variant Server 0.00100.
gnomAD v4.1: 1,038 of 1,603,412 alleles (0.065%); highest among the groups gnomAD compares: Middle Eastern, 0.37%; no homozygotes.

Submission:

CeGaT Center for Human Genetics Tuebingen
Classification: Likely benign. Last evaluated: 2023-03-01. Review status: criteria provided, single submitter. Criteria: CeGaT Center For Human Genetics Tuebingen Variant Classification Criteria Version 2. Collection method: clinical testing. Allele origin: germline. Affected: yes. Observed: 1 variant allele.
Comment: WSCD1: BP4, BP7